The following is an entry in ClinVar:

ClinVar aggregate classification (germline): Likely benign (1 of 4 stars; one submission).

Submission:

CeGaT Center for Human Genetics Tuebingen
Classification: Likely benign. Last evaluated: 2022-08-01. Review status: criteria provided, single submitter. Criteria: CeGaT Center For Human Genetics Tuebingen Variant Classification Criteria Version 2. Collection method: clinical testing. Allele origin: germline. Affected: yes. Observed: 1 variant allele.
Comment: SETD1A: PM2:Supporting, BP4, BP7

NM_014712.3(SETD1A):c.2319C>G (p.Pro773=)

Gene: SETD1A (SET domain containing 1A, histone lysine methyltransferase; plus strand). Cytogenetic location: 16p11.2.
Variant type: single nucleotide variant.
Coding change: c.2319C>G on transcript NM_014712.3 (MANE Select); coding-DNA position 2319, C replaced by G.
Protein change: p.Pro773=; no amino-acid change (proline 773 retained).
Molecular consequence: synonymous variant.
Genome position (GRCh38, 1-based): chr16:30,966,200, C>G. VCF-style: chr16-30966200-C-G. GRCh37 (hg19) VCF-style: chr16-30977521-C-G.
Identifiers: ClinVar variation 2646437 (VCV002646437.24), dbSNP rs2056144599, ClinGen allele CA494918395.